The following is an entry in ClinVar:

NM_001142800.2(EYS):c.7570del (p.Trp2524fs)

Gene: EYS (EGF-like photoreceptor maintenance factor; minus strand). Cytogenetic location: 6q12.
Variant type: Deletion.
Coding change: c.7570del on transcript NM_001142800.2 (MANE Select); coding-DNA position 7570, one base deleted (T; older notation c.7570delT).
Protein change: p.Trp2524fs; shifts the reading frame from tryptophan 2524.
Molecular consequence: frameshift variant.
Genome position (GRCh38, 1-based): chr6:63,789,066, A deleted on the plus strand (T on the coding strand, the reverse complement: EYS is on the minus strand). VCF-style (leftmost placement, unchanged base first): chr6-63789065-CA-C. GRCh37 (hg19) VCF-style: chr6-64498958-CA-C.
Other names: c.7570del, p.Trp2524fs (NM_001292009.2); short protein forms W2524fs.
Identifiers: ClinVar variation 2004234 (VCV002004234.4), dbSNP rs2533541879, ClinGen allele CA2580075621.

ClinVar aggregate classification (germline): Pathogenic (1 of 4 stars; one submission).

Submission:

Labcorp Genetics (formerly Invitae), Labcorp
Classification: Pathogenic. Last evaluated: 2022-06-10. Review status: criteria provided, single submitter. Criteria: Invitae Variant Classification Sherloc (09022015). Collection method: clinical testing. Allele origin: germline.
Comment: For these reasons, this variant has been classified as Pathogenic. This variant has not been reported in the literature in individuals affected with EYS-related conditions. This variant is not present in population databases (gnomAD no frequency). This sequence change creates a premature translational stop signal (p.Trp2524Glyfs*2) in the EYS gene. It is expected to result in an absent or disrupted protein product. Loss-of-function variants in EYS are known to be pathogenic (PMID: 18836446, 20333770).

Literature cited by the submitters: PubMed 18836446; PubMed 20333770.